The following is an entry in ClinVar:

NM_017534.6(MYH2):c.1595G>A (p.Gly532Asp)

Genes: MYHAS (myosin heavy chain gene cluster antisense RNA; plus strand), MYH2 (myosin heavy chain 2; minus strand). Cytogenetic location: 17p13.1.
Variant type: single nucleotide variant.
Coding change: c.1595G>A on transcript NM_017534.6 (MANE Select); coding-DNA position 1595, G replaced by A.
Protein change: p.Gly532Asp; replaces glycine 532 with aspartic acid.
Molecular consequence: missense variant.
Genome position (GRCh38, 1-based): chr17:10,537,535, C>T on the plus strand (G>A on the coding strand, the complement: MYH2 is on the minus strand). VCF-style: chr17-10537535-C-T. GRCh37 (hg19) VCF-style: chr17-10440852-C-T.
Other names: c.1595G>A, p.Gly532Asp (NM_001100112.2); c.1595G>A (NM_017534.5); short protein forms G532D.
Identifiers: ClinVar variation 1936034 (VCV001936034.7), dbSNP rs1338775469, ClinGen allele CA398156567.

ClinVar aggregate classification (germline): Uncertain significance. Review status: criteria provided, multiple submitters, no conflicts (2 of 4 stars). 2 submissions from 2 submitters: Uncertain significance (2). Last evaluated 2023-03-06.

Conditions:
Inborn genetic diseases. Identifiers: MedGen C0950123, MeSH D030342.
Myopathy, proximal, and ophthalmoplegia (CMYO6). Also called: INCLUSION BODY MYOPATHY 3, AUTOSOMAL DOMINANT; CONGENITAL MYOPATHY 6 WITH OPHTHALMOPLEGIA; MYOPATHY WITH CONGENITAL JOINT CONTRACTURES, OPHTHALMOPLEGIA, AND RIMMED VACUOLES. Identifiers: Orphanet 363677, Orphanet 79091, MedGen C1854106, MONDO:0011577, OMIM 605637.

Submissions (2):

Ambry Genetics
Classification: Uncertain significance for Inborn genetic diseases. Last evaluated: 2023-03-06. Review status: criteria provided, single submitter. Criteria: Ambry Variant Classification Scheme 2023. Collection method: clinical testing. Allele origin: germline.

Labcorp Genetics (formerly Invitae), Labcorp
Classification: Uncertain significance for Myopathy, proximal, and ophthalmoplegia. Last evaluated: 2022-08-02. Review status: criteria provided, single submitter. Criteria: Invitae Variant Classification Sherloc (09022015). Collection method: clinical testing. Allele origin: germline.
Comment: In summary, the available evidence is currently insufficient to determine the role of this variant in disease. Therefore, it has been classified as a Variant of Uncertain Significance. Algorithms developed to predict the effect of missense changes on protein structure and function (SIFT, PolyPhen-2, Align-GVGD) all suggest that this variant is likely to be disruptive. This variant has not been reported in the literature in individuals affected with MYH2-related conditions. This variant is not present in population databases (gnomAD no frequency). This sequence change replaces glycine, which is neutral and non-polar, with aspartic acid, which is acidic and polar, at codon 532 of the MYH2 protein (p.Gly532Asp).